The following is an entry in ClinVar:

ClinVar aggregate classification (germline): Uncertain significance (1 of 4 stars; one submission).

Conditions:
Gastrointestinal stromal tumor. Also called: Gastrointestinal stromal tumor, somatic; Gastrointestinal stroma tumor. Identifiers: Orphanet 44890, MedGen C0238198, MeSH D046152, MONDO:0011719, OMIM 606764, HP:0100723.

gnomAD v4.1: 1 of 1,614,160 alleles (0.000062%); highest among the groups gnomAD compares: East Asian, 0.0022%; no homozygotes.

Submission:

Labcorp Genetics (formerly Invitae), Labcorp
Classification: Uncertain significance for Gastrointestinal stromal tumor. Last evaluated: 2025-01-13. Review status: criteria provided, single submitter. Criteria: Invitae Variant Classification Sherloc (09022015). Collection method: clinical testing. Allele origin: germline.
Comment: This sequence change falls in intron 6 of the PDGFRA gene. It does not directly change the encoded amino acid sequence of the PDGFRA protein. It affects a nucleotide within the consensus splice site. This variant is not present in population databases (gnomAD no frequency). This variant has not been reported in the literature in individuals affected with PDGFRA-related conditions. Variants that disrupt the consensus splice site are a relatively common cause of aberrant splicing (PMID: 17576681, 9536098). Algorithms developed to predict the effect of sequence changes on RNA splicing suggest that this variant is not likely to affect RNA splicing. In summary, the available evidence is currently insufficient to determine the role of this variant in disease. Therefore, it has been classified as a Variant of Uncertain Significance.

Literature cited by the submitters: PubMed 17576681; PubMed 9536098.

NM_006206.6(PDGFRA):c.931+5A>T

Gene: PDGFRA (platelet derived growth factor receptor alpha; plus strand). Cytogenetic location: 4q12.
Variant type: single nucleotide variant.
Coding change: c.931+5A>T on transcript NM_006206.6 (MANE Select); 5 bases into the intron after coding-DNA position 931, A replaced by T.
Molecular consequence: intron variant.
Genome position (GRCh38, 1-based): chr4:54,267,465, A>T. VCF-style: chr4-54267465-A-T. GRCh37 (hg19) VCF-style: chr4-55133632-A-T.
Other names: c.1006+5A>T (NM_001347828.2); c.931+5A>T (NM_001347827.2, NM_001347829.2); c.970+5A>T (NM_001347830.2).
Identifiers: ClinVar variation 3716913 (VCV003716913.2).